The following is an entry in ClinVar:

NM_000257.4(MYH7):c.5566G>A (p.Glu1856Lys)

Gene: MYH7 (myosin heavy chain 7; minus strand). Cytogenetic location: 14q11.2.
Variant type: single nucleotide variant.
Coding change: c.5566G>A on transcript NM_000257.4 (MANE Select); coding-DNA position 5566, G replaced by A.
Protein change: p.Glu1856Lys; replaces glutamic acid 1856 with lysine.
Molecular consequence: missense variant.
Genome position (GRCh38, 1-based): chr14:23,414,096, C>T on the plus strand (G>A on the coding strand, the complement: MYH7 is on the minus strand). VCF-style: chr14-23414096-C-T. GRCh37 (hg19) VCF-style: chr14-23883305-C-T.
Other names: c.5566G>A (NM_000257.2); short protein forms E1856K.
Identifiers: ClinVar variation 190403 (VCV000190403.4), dbSNP rs797044598, ClinGen allele CA347253.
Genomic context (GRCh38, chr14:23,414,096, plus strand): 5'-TGACCTTTAGCTGCAGCTTGTCTACCAGGTCCTGCAGCCGCAGCAGGTTTTTCCTGTCCT[C>T]CTCCGTCTGGGGGCCAGAGGGTAGGCAGGGGGTGAAGATGGCACAGTCATAGAAGGTAGC-3'
Protein context (NP_000248.2, residues 1846-1866): RIKELTYQTE[Glu1856Lys]DRKNLLRLQD

ClinVar aggregate classification (germline): Uncertain significance. Review status: criteria provided, single submitter (1 of 4 stars). 2 submissions from 2 submitters: Uncertain significance (1). 1 of the submissions does not count toward it. Last evaluated 2023-09-28.

Conditions:
MYH7-related skeletal myopathy. Also called: Myopathy, distal, 1; MYOPATHY, DISTAL, EARLY-ONSET, AUTOSOMAL DOMINANT; MYOPATHY, LATE DISTAL HEREDITARY; Laing distal myopathy; Laing early-onset distal myopathy. Identifiers: Orphanet 59135, MedGen C4552004, MONDO:0008050, OMIM 160500.

Allele frequency attached by ClinVar (database versions not stated): gnomAD exomes below 0.00001.
gnomAD v4.1: 2 of 1,612,696 alleles (0.00012%); highest among the groups gnomAD compares: Non-Finnish European, 0.00017%; no homozygotes.

Submissions (2):

GeneDx
Classification: Uncertain significance. Last evaluated: 2023-09-28. Review status: criteria provided, single submitter. Criteria: GeneDx Variant Classification Process June 2021. Collection method: clinical testing. Allele origin: germline. Affected: yes.
Comment: Observed in family with multiple relatives with myopathy and variable cardiac involvement; however, it is unclear if other genes were also investigated (Finsterer et al., 2014 ;Finsterer et al., 2014); Not observed at significant frequency in large population cohorts (gnomAD); In silico analysis supports that this missense variant has a deleterious effect on protein structure/function; This variant is associated with the following publications: (PMID: 24726209, 31761835, 34819141, 24953931)

GeneReviews
No classification provided. Condition: MYH7-related skeletal myopathy. Review status: no classification provided. Collection method: literature only. Allele origin: germline. Not counted in ClinVar's aggregate classification.
Comment: Distal myopathy with left ventricular hypertrabeculation non-compaction

Literature cited by the submitters: NCBI Bookshelf NBK1433 (cited by GeneReviews); PubMed 24953931 (cited by GeneReviews); PubMed 24726209 (cited by GeneReviews).